The following is an entry in ClinVar:

NM_000391.4(TPP1):c.241A>G (p.Thr81Ala)

Gene: TPP1 (tripeptidyl peptidase 1; minus strand). Cytogenetic location: 11p15.4.
Variant type: single nucleotide variant.
Coding change: c.241A>G on transcript NM_000391.4 (MANE Select); coding-DNA position 241, A replaced by G.
Protein change: p.Thr81Ala; replaces threonine 81 with alanine.
Molecular consequence: missense variant.
Genome position (GRCh38, 1-based): chr11:6,617,765, T>C on the plus strand (A>G on the coding strand, the complement: TPP1 is on the minus strand). VCF-style: chr11-6617765-T-C. GRCh37 (hg19) VCF-style: chr11-6638996-T-C.
Other names: short protein forms T81A.
Identifiers: ClinVar variation 1016543 (VCV001016543.10), dbSNP rs1855609152, ClinGen allele CA379476597.

ClinVar aggregate classification (germline): Uncertain significance (1 of 4 stars; one submission).

Submission:

Labcorp Genetics (formerly Invitae), Labcorp
Classification: Uncertain significance. Last evaluated: 2022-03-03. Review status: criteria provided, single submitter. Criteria: Invitae Variant Classification Sherloc (09022015). Collection method: clinical testing. Allele origin: germline.
Comment: This sequence change replaces threonine, which is neutral and polar, with alanine, which is neutral and non-polar, at codon 81 of the TPP1 protein (p.Thr81Ala). This variant is not present in population databases (gnomAD no frequency). This variant has not been reported in the literature in individuals affected with TPP1-related conditions. ClinVar contains an entry for this variant (Variation ID: 1016543). Advanced modeling of protein sequence and biophysical properties (such as structural, functional, and spatial information, amino acid conservation, physicochemical variation, residue mobility, and thermodynamic stability) performed at Invitae indicates that this missense variant is not expected to disrupt TPP1 protein function. In summary, the available evidence is currently insufficient to determine the role of this variant in disease. Therefore, it has been classified as a Variant of Uncertain Significance.